The following is an entry in ClinVar:

ClinVar aggregate classification (germline): Benign. Review status: criteria provided, multiple submitters, no conflicts (2 of 4 stars). 2 submissions from 2 submitters: Benign (2). Last evaluated 2026-01-27.

Conditions:
Retinitis pigmentosa (RP). Identifiers: Orphanet 791, MedGen C0035334, MeSH D012174, MONDO:0019200, OMIM 268000. Inheritance: Autosomal dominant, autosomal recessive and X linked inheritance.

Allele frequency attached by ClinVar (database versions not stated): gnomAD 0.00032 and 0.00217; ESP Exome Variant Server 0.00054; TOPMed 0.00077; gnomAD exomes 0.00334 and 0.00657; ExAC 0.00933; 1000 Genomes Project 30x 0.01343; 1000 Genomes Project 0.01458.
gnomAD v4.1: 5,197 of 1,609,718 alleles (0.32%); highest among the groups gnomAD compares: South Asian, 4.8%; 169 homozygotes.

Submissions (2):

Labcorp Genetics (formerly Invitae), Labcorp
Classification: Benign. Last evaluated: 2026-01-27. Review status: criteria provided, single submitter. Criteria: Invitae Variant Classification Sherloc (09022015). Collection method: clinical testing. Allele origin: germline.

Illumina Laboratory Services, Illumina
Classification: Benign for Retinitis pigmentosa. Last evaluated: 2018-01-12. Review status: criteria provided, single submitter. Criteria: ICSL Variant Classification Criteria 13 December 2019. Collection method: clinical testing. Allele origin: germline.
Comment: This variant was observed in the ICSL laboratory as part of a predisposition screen in an ostensibly healthy population. It had not been previously curated by ICSL or reported in the Human Gene Mutation Database (HGMD: prior to June 1st, 2018), and was therefore a candidate for classification through an automated scoring system. Utilizing variant allele frequency, disease prevalence and penetrance estimates, and inheritance mode, an automated score was calculated to assess if this variant is too frequent to cause the disease. Based on the score and internal cut-off values, a variant classified as benign is not then subjected to further curation. The score for this variant resulted in a classification of benign for this disease.

NM_012469.4(PRPF6):c.1524+10A>G

Genes: PRPF6 (pre-mRNA processing factor 6; plus strand), LOC126863089 (BRD4-independent group 4 enhancer GRCh37_chr20:62642795-62643994; plus strand). Cytogenetic location: 20q13.33.
Variant type: single nucleotide variant.
Coding change: c.1524+10A>G on transcript NM_012469.4 (MANE Select); 10 bases into the intron after coding-DNA position 1524, A replaced by G.
Molecular consequence: intron variant.
Genome position (GRCh38, 1-based): chr20:64,011,513, A>G. VCF-style: chr20-64011513-A-G. GRCh37 (hg19) VCF-style: chr20-62642866-A-G.
Identifiers: ClinVar variation 339476 (VCV000339476.14), dbSNP rs201704766, ClinGen allele CA9972199.